The following is an entry in ClinVar:

NM_000017.4(ACADS):c.1070C>A (p.Thr357Asn)

Gene: ACADS (acyl-CoA dehydrogenase short chain; plus strand). Cytogenetic location: 12q24.31.
Variant type: single nucleotide variant.
Coding change: c.1070C>A on transcript NM_000017.4 (MANE Select); coding-DNA position 1070, C replaced by A.
Protein change: p.Thr357Asn; replaces threonine 357 with asparagine.
Molecular consequence: missense variant.
Genome position (GRCh38, 1-based): chr12:120,739,180, C>A. VCF-style: chr12-120739180-C-A. GRCh37 (hg19) VCF-style: chr12-121176983-C-A.
Other names: c.1058C>A, p.Thr353Asn (NM_001302554.2); short protein forms T353N, T357N.
Identifiers: ClinVar variation 3664834 (VCV003664834.2).

ClinVar aggregate classification (germline): Uncertain significance (1 of 4 stars; one submission).

Conditions:
Deficiency of butyryl-CoA dehydrogenase (ACADSD). Also called: ACADS DEFICIENCY; Short-Chain Acyl-CoA Dehydrogenase Deficiency; SCADH DEFICIENCY; SCAD DEFICIENCY, MILD; ACYL-CoA DEHYDROGENASE, SHORT-CHAIN, DEFICIENCY OF; SCAD Deficiency. Identifiers: Orphanet 26792, MedGen C0342783, MONDO:0008722, OMIM 201470. Disease mechanism: May be benign.

Submission:

Labcorp Genetics (formerly Invitae), Labcorp
Classification: Uncertain significance for Deficiency of butyryl-CoA dehydrogenase. Last evaluated: 2024-10-10. Review status: criteria provided, single submitter. Criteria: Invitae Variant Classification Sherloc (09022015). Collection method: clinical testing. Allele origin: germline.
Comment: This sequence change replaces threonine, which is neutral and polar, with asparagine, which is neutral and polar, at codon 357 of the ACADS protein (p.Thr357Asn). This variant is not present in population databases (gnomAD no frequency). This variant has not been reported in the literature in individuals affected with ACADS-related conditions. Invitae Evidence Modeling of protein sequence and biophysical properties (such as structural, functional, and spatial information, amino acid conservation, physicochemical variation, residue mobility, and thermodynamic stability) has been performed for this missense variant. However, the output from this modeling did not meet the statistical confidence thresholds required to predict the impact of this variant on ACADS protein function. In summary, the available evidence is currently insufficient to determine the role of this variant in disease. Therefore, it has been classified as a Variant of Uncertain Significance.